The following is an entry in ClinVar:

ClinVar aggregate classification (germline): Uncertain significance (1 of 4 stars; one submission).

Submission:

Labcorp Genetics (formerly Invitae), Labcorp
Classification: Uncertain significance. Last evaluated: 2023-09-29. Review status: criteria provided, single submitter. Criteria: Invitae Variant Classification Sherloc (09022015). Collection method: clinical testing. Allele origin: germline.
Comment: This sequence change replaces valine, which is neutral and non-polar, with serine, which is neutral and polar, at codon 964 of the ZSWIM6 protein (p.Val964Ser). Information on the frequency of this variant in the gnomAD database is not available, as this variant may be reported differently in the database. This variant has not been reported in the literature in individuals affected with ZSWIM6-related conditions. An algorithm developed to predict the effect of missense changes on protein structure and function (PolyPhen-2) suggests that this variant is likely to be tolerated. In summary, the available evidence is currently insufficient to determine the role of this variant in disease. Therefore, it has been classified as a Variant of Uncertain Significance.

NM_020928.2(ZSWIM6):c.2890_2891delinsTC (p.Val964Ser)

Gene: ZSWIM6 (zinc finger SWIM-type containing 6; plus strand). Cytogenetic location: 5q12.1.
Variant type: Indel.
Coding change: c.2890_2891delinsTC on transcript NM_020928.2 (MANE Select); coding-DNA positions 2890 to 2891, GT replaced by TC.
Protein change: p.Val964Ser; replaces valine 964 with serine.
Molecular consequence: missense variant.
Genome position (GRCh38, 1-based): chr5:61,543,559-61,543,560, GT replaced by TC. VCF-style: chr5-61543559-GT-TC. GRCh37 (hg19) VCF-style: chr5-60839386-GT-TC.
Other names: short protein forms V964S.
Identifiers: ClinVar variation 2764241 (VCV002764241.3), dbSNP rs2478406483, ClinGen allele CA2697547188.